The following is an entry in ClinVar:

NM_025137.4(SPG11):c.3461C>T (p.Ser1154Leu)

Gene: SPG11 (SPG11 vesicle trafficking associated, spatacsin; minus strand). Cytogenetic location: 15q21.1.
Variant type: single nucleotide variant.
Coding change: c.3461C>T on transcript NM_025137.4 (MANE Select); coding-DNA position 3461, C replaced by T.
Protein change: p.Ser1154Leu; replaces serine 1154 with leucine.
Molecular consequence: missense variant.
Genome position (GRCh38, 1-based): chr15:44,606,084, G>A on the plus strand (C>T on the coding strand, the complement: SPG11 is on the minus strand). VCF-style: chr15-44606084-G-A. GRCh37 (hg19) VCF-style: chr15-44898282-G-A.
Other names: c.3461C>T, p.Ser1154Leu (NM_001160227.2); short protein forms S1154L.
Identifiers: ClinVar variation 1468832 (VCV001468832.8), dbSNP rs2140994460, ClinGen allele CA392223924.
Genomic context (GRCh38, chr15:44,606,084, plus strand): 5'-CCTCCTATAGCTAGTGTGTTAGCAGACTGCCAGCCAAACAATCTGCTAGGATCAAAGGGT[G>A]ATAATGACTGAAAAAGGGGAAAAGTTAAACAGAATTAGAAGTTCACTGATTATAAAATAG-3'
Protein context (NP_079413.3, residues 1144-1164): ITIYHLIQSL[Ser1154Leu]PFDPSRLFGW

ClinVar aggregate classification (germline): Uncertain significance (1 of 4 stars; one submission).

Conditions:
Hereditary spastic paraplegia 11. Also called: Spastic Paraplegia 11; Nakamura Osame syndrome; Autosomal recessive hereditary spastic paraplegia, mental impairment, and thin corpus callosum; SPASTIC PARAPLEGIA, AUTOSOMAL RECESSIVE, COMPLICATED, WITH THIN CORPUS CALLOSUM; SPASTIC PARAPLEGIA, AUTOSOMAL RECESSIVE, WITH MENTAL IMPAIRMENT AND THIN CORPUS CALLOSUM; Spastic paraplegia, mental retardation and thin corpus callosum. Identifiers: Orphanet 2822, MedGen C1858479, MONDO:0011445, OMIM 604360.

Submission:

Labcorp Genetics (formerly Invitae), Labcorp
Classification: Uncertain significance for Hereditary spastic paraplegia 11. Last evaluated: 2024-10-21. Review status: criteria provided, single submitter. Criteria: Invitae Variant Classification Sherloc (09022015). Collection method: clinical testing. Allele origin: germline.
Comment: This sequence change replaces serine, which is neutral and polar, with leucine, which is neutral and non-polar, at codon 1154 of the SPG11 protein (p.Ser1154Leu). This variant is not present in population databases (gnomAD no frequency). This variant has not been reported in the literature in individuals affected with SPG11-related conditions. ClinVar contains an entry for this variant (Variation ID: 1468832). Invitae Evidence Modeling of protein sequence and biophysical properties (such as structural, functional, and spatial information, amino acid conservation, physicochemical variation, residue mobility, and thermodynamic stability) indicates that this missense variant is not expected to disrupt SPG11 protein function with a negative predictive value of 80%. In summary, the available evidence is currently insufficient to determine the role of this variant in disease. Therefore, it has been classified as a Variant of Uncertain Significance.